The following is an entry in ClinVar:

ClinVar aggregate classification (germline): Likely pathogenic. Review status: criteria provided, multiple submitters, no conflicts (2 of 4 stars). 2 submissions from 2 submitters: Likely pathogenic (2). Last evaluated 2025-02-17.

Conditions:
Autosomal recessive polycystic kidney disease (ARPKD). Also called: AR polycystic kidney disease. Identifiers: Orphanet 731, Orphanet 8378, MedGen C0085548, MeSH D017044, MONDO:0009889.

gnomAD v4.1: 1 of 1,614,030 alleles (0.000062%); highest among the groups gnomAD compares: Non-Finnish European, 0.000085%; no homozygotes.

Submissions (2):

Natera, Inc.
Classification: Likely pathogenic for Autosomal recessive polycystic kidney disease. Last evaluated: 2025-02-17. Review status: criteria provided, single submitter. Criteria: Natera Variant Classification Schema (03/2026). Collection method: clinical testing. Allele origin: germline.
Comment: The c.281+1G>T variant in PKHD1 is a canonical splice donor site variant predicted to affect pre-mRNA splicing, which may result in an abnormal transcript and altered protein product. This variant is expected to result in nonsense mediated decay, truncation, or a dysfunctional protein product. This variant is rare in the general population with a frequency below the threshold expected for the associated phenotype(s). Given the available evidence, this variant is classified as Likely Pathogenic.

Labcorp Genetics (formerly Invitae), Labcorp
Classification: Likely pathogenic for Autosomal recessive polycystic kidney disease. Last evaluated: 2023-01-17. Review status: criteria provided, single submitter. Criteria: Invitae Variant Classification Sherloc (09022015). Collection method: clinical testing. Allele origin: germline.
Comment: In summary, the currently available evidence indicates that the variant is pathogenic, but additional data are needed to prove that conclusively. Therefore, this variant has been classified as Likely Pathogenic. Algorithms developed to predict the effect of sequence changes on RNA splicing suggest that this variant may disrupt the consensus splice site. This variant has not been reported in the literature in individuals affected with PKHD1-related conditions. This variant is not present in population databases (gnomAD no frequency). This sequence change affects a donor splice site in intron 4 of the PKHD1 gene. It is expected to disrupt RNA splicing. Variants that disrupt the donor or acceptor splice site typically lead to a loss of protein function (PMID: 16199547), and loss-of-function variants in PKHD1 are known to be pathogenic (PMID: 19940839).

Literature cited by the submitters: PubMed 16199547 (cited by Labcorp Genetics (formerly Invitae), Labcorp); PubMed 19940839 (cited by Labcorp Genetics (formerly Invitae), Labcorp).

NM_138694.4(PKHD1):c.281+1G>T

Gene: PKHD1 (PKHD1 ciliary IPT domain containing fibrocystin/polyductin; minus strand). Cytogenetic location: 6p12.2.
Variant type: single nucleotide variant.
Coding change: c.281+1G>T on transcript NM_138694.4 (MANE Select); the canonical splice donor site of the intron after coding-DNA position 281, G replaced by T.
Molecular consequence: splice donor variant.
Genome position (GRCh38, 1-based): chr6:52,082,391, C>A on the plus strand (G>T on the coding strand, the complement: PKHD1 is on the minus strand). VCF-style: chr6-52082391-C-A. GRCh37 (hg19) VCF-style: chr6-51947189-C-A.
Other names: c.281+1G>T (NM_138694.3, NM_170724.3).
Identifiers: ClinVar variation 2800465 (VCV002800465.4), dbSNP rs1582154630, ClinGen allele CA364440158.